The following is an entry in ClinVar:

NM_020433.5(JPH2):c.643C>G (p.Pro215Ala)

Gene: JPH2 (junctophilin 2; minus strand). Cytogenetic location: 20q13.12.
Variant type: single nucleotide variant.
Coding change: c.643C>G on transcript NM_020433.5 (MANE Select); coding-DNA position 643, C replaced by G.
Protein change: p.Pro215Ala; replaces proline 215 with alanine.
Molecular consequence: missense variant.
Genome position (GRCh38, 1-based): chr20:44,160,144, G>C on the plus strand (C>G on the coding strand, the complement: JPH2 is on the minus strand). VCF-style: chr20-44160144-G-C. GRCh37 (hg19) VCF-style: chr20-42788784-G-C.
Other names: short protein forms P215A.
Identifiers: ClinVar variation 1753529 (VCV001753529.2), dbSNP rs1454632859, ClinGen allele CA409093971.

ClinVar aggregate classification (germline): Uncertain significance (1 of 4 stars; one submission).

Conditions:
Cardiovascular phenotype. Identifiers: MedGen CN230736.

Allele frequency attached by ClinVar (database versions not stated): TOPMed below 0.00001; gnomAD 0.00001.

Submission:

Ambry Genetics
Classification: Uncertain significance for Cardiovascular phenotype. Last evaluated: 2021-11-14. Review status: criteria provided, single submitter. Criteria: Ambry Variant Classification Scheme 2023. Collection method: clinical testing. Allele origin: germline.
Comment: The p.P215A variant (also known as c.643C>G), located in coding exon 2 of the JPH2 gene, results from a C to G substitution at nucleotide position 643. The proline at codon 215 is replaced by alanine, an amino acid with highly similar properties. This amino acid position is conserved. In addition, this alteration is predicted to be tolerated by in silico analysis. Since supporting evidence is limited at this time, the clinical significance of this alteration remains unclear.